The following is an entry in ClinVar:

NM_000548.5(TSC2):c.4377A>G (p.Arg1459=)

Gene: TSC2 (TSC complex subunit 2; plus strand). Cytogenetic location: 16p13.3.
Variant type: single nucleotide variant.
Coding change: c.4377A>G on transcript NM_000548.5 (MANE Select); coding-DNA position 4377, A replaced by G.
Protein change: p.Arg1459=; no amino-acid change (arginine 1459 retained).
Molecular consequence: synonymous variant. On other transcripts: non-coding transcript variant (5).
Genome position (GRCh38, 1-based): chr16:2,084,599, A>G. VCF-style: chr16-2084599-A-G. GRCh37 (hg19) VCF-style: chr16-2134600-A-G.
Other names: c.4176A>G, p.Arg1392= (NM_001077183.3); c.4308A>G, p.Arg1436= (NM_001114382.3); c.4068A>G, p.Arg1356= (NM_001318827.2); c.4032A>G, p.Arg1344= (NM_001318829.2); c.3645A>G, p.Arg1215= (NM_001318831.2); c.4209A>G, p.Arg1403= (NM_001318832.2); c.4179A>G, p.Arg1393= (NM_001363528.2); c.4245A>G, p.Arg1415= (NM_001370404.1); and 26 more.
Identifiers: ClinVar variation 3232169 (VCV003232169.2), dbSNP rs2544282598, ClinGen allele CA493043501.

ClinVar aggregate classification (germline): Benign/Likely benign. Review status: criteria provided, multiple submitters, no conflicts (2 of 4 stars). 2 submissions from 2 submitters: Benign (1); Likely benign (1). Last evaluated 2025-06-03.

Conditions:
Hereditary cancer-predisposing syndrome. Also called: Hereditary Cancer Syndrome; Tumor predisposition; Neoplastic Syndromes, Hereditary; Hereditary neoplastic syndrome. Identifiers: Orphanet 140162, MedGen C0027672, MeSH D009386, MONDO:0015356.
Tuberous sclerosis 2 (TSC2). Identifiers: Orphanet 805, MedGen C1860707, MONDO:0013199, OMIM 613254.

Submissions (2):

Myriad Genetics, Inc.
Classification: Benign for Tuberous sclerosis 2. Last evaluated: 2025-06-03. Review status: criteria provided, single submitter. Criteria: Myriad Autosomal Dominant, Autosomal Recessive and X-Linked Classification Criteria (2023). Collection method: clinical testing. Allele origin: unknown.
Comment: This variant is considered benign. This variant is a silent/synonymous amino acid change and it is not expected to impact splicing.

Ambry Genetics
Classification: Likely benign for Hereditary cancer-predisposing syndrome. Last evaluated: 2023-12-31. Review status: criteria provided, single submitter. Criteria: Ambry Variant Classification Scheme 2023. Collection method: clinical testing. Allele origin: germline.